The following is an entry in ClinVar:

NM_001267550.2(TTN):c.68105C>T (p.Thr22702Ile)

Genes: TTN (titin; minus strand), TTN-AS1 (TTN antisense RNA 1; plus strand), LOC126806423 (CDK7 strongly-dependent group 2 enhancer GRCh37_chr2:179443309-179444508; plus strand). Cytogenetic location: 2q31.2.
Variant type: single nucleotide variant.
Coding change: c.68105C>T on transcript NM_001267550.2 (MANE Select); coding-DNA position 68105, C replaced by T.
Protein change: p.Thr22702Ile; replaces threonine 22702 with isoleucine.
Molecular consequence: missense variant.
Genome position (GRCh38, 1-based): chr2:178,578,925, G>A on the plus strand (C>T on the coding strand, the complement: TTN is on the minus strand). VCF-style: chr2-178578925-G-A. GRCh37 (hg19) VCF-style: chr2-179443652-G-A.
Other names: c.63182C>T, p.Thr21061Ile (NM_001256850.1); c.40910C>T, p.Thr13637Ile (NM_003319.4); c.60401C>T, p.Thr20134Ile (NM_133378.4); c.41285C>T, p.Thr13762Ile (NM_133432.3); c.41486C>T, p.Thr13829Ile (NM_133437.4); short protein forms T13637I, T13762I, T13829I, T20134I, T21061I, T22702I.
Identifiers: ClinVar variation 1204769 (VCV001204769.3), dbSNP rs1404079334, ClinGen allele CA349421615.

ClinVar aggregate classification (germline): Uncertain significance (1 of 4 stars; one submission).

Allele frequency attached by ClinVar (database versions not stated): gnomAD exomes below 0.00001.
gnomAD v4.1: 1 of 1,613,228 alleles (0.000062%); highest among the groups gnomAD compares: Admixed American, 0.0017%; no homozygotes.

Submission:

GeneDx
Classification: Uncertain significance. Last evaluated: 2020-01-23. Review status: criteria provided, single submitter. Criteria: GeneDx Variant Classification Process June 2021. Collection method: clinical testing. Allele origin: germline. Affected: yes.
Comment: Not observed at a significant frequency in large population cohorts (Lek et al., 2016); Missense variant in a gene in which most reported pathogenic variants are truncating/loss-of-function; Has not been previously published as pathogenic or benign to our knowledge